The following is an entry in ClinVar:

NM_001231.5(CASQ1):c.775C>T (p.His259Tyr)

Gene: CASQ1 (calsequestrin 1; plus strand). Cytogenetic location: 1q23.2.
Variant type: single nucleotide variant.
Coding change: c.775C>T on transcript NM_001231.5 (MANE Select); coding-DNA position 775, C replaced by T.
Protein change: p.His259Tyr; replaces histidine 259 with tyrosine.
Molecular consequence: missense variant.
Genome position (GRCh38, 1-based): chr1:160,196,020, C>T. VCF-style: chr1-160196020-C-T. GRCh37 (hg19) VCF-style: chr1-160165810-C-T.
Other names: short protein forms H259Y.
Identifiers: ClinVar variation 3263463 (VCV003263463.1).

ClinVar aggregate classification (germline): Uncertain significance (1 of 4 stars; one submission).

Conditions:
Inborn genetic diseases. Identifiers: MedGen C0950123, MeSH D030342.

Submission:

Ambry Genetics
Classification: Uncertain significance for Inborn genetic diseases. Last evaluated: 2024-05-27. Review status: criteria provided, single submitter. Criteria: Ambry Variant Classification Scheme 2023. Collection method: clinical testing. Allele origin: germline.
Comment: The p.H259Y variant (also known as c.775C>T), located in coding exon 6 of the CASQ1 gene, results from a C to T substitution at nucleotide position 775. The histidine at codon 259 is replaced by tyrosine, an amino acid with similar properties. This amino acid position is conserved. In addition, the in silico prediction for this alteration is inconclusive. Based on the available evidence, the clinical significance of this variant remains unclear.